The following is an entry in ClinVar:

NM_004415.4(DSP):c.1099_1100del (p.Cys367fs)

Gene: DSP (desmoplakin; plus strand). Cytogenetic location: 6p24.3.
Variant type: Deletion.
Coding change: c.1099_1100del on transcript NM_004415.4 (MANE Select); coding-DNA positions 1099 to 1100, 2 bases deleted (TG; older notation c.1099_1100delTG).
Protein change: p.Cys367fs; shifts the reading frame from cysteine 367.
Molecular consequence: frameshift variant.
Genome position (GRCh38, 1-based): chr6:7,567,408-7,567,409, TG deleted; deleting any 2 consecutive bases within chr6:7,567,407-7,567,409 gives the same sequence; the c. name uses the placement nearest the transcript's 3' end. VCF-style (leftmost placement, unchanged base first): chr6-7567406-AGT-A. GRCh37 (hg19) VCF-style: chr6-7567639-AGT-A.
Other names: c.1099_1100del, p.Cys367fs (NM_001008844.3, NM_001319034.2); short protein forms C367fs.
Identifiers: ClinVar variation 1454040 (VCV001454040.6), dbSNP rs2113672514, ClinGen allele CA2573140932.

ClinVar aggregate classification (germline): Pathogenic (1 of 4 stars; one submission).

Conditions:
Arrhythmogenic cardiomyopathy with wooly hair and keratoderma. Also called: PALMOPLANTAR KERATODERMA WITH LEFT VENTRICULAR CARDIOMYOPATHY AND WOOLLY HAIR; Carvajal syndrome; Dilated cardiomyopathy with woolly hair and keratoderma; Arrhythmogenic cardiomyopathy with woolly hair and keratoderma. Identifiers: Orphanet 65282, MedGen C1854063, MONDO:0011581, OMIM 605676.
Arrhythmogenic right ventricular dysplasia 8 (ARVD8). Also called: ARRHYTHMOGENIC RIGHT VENTRICULAR DYSPLASIA, FAMILIAL, 8; Arrhythmogenic Right Ventricular Dysplasia/Cardiomyopathy 8; ARRHYTHMOGENIC RIGHT VENTRICULAR CARDIOMYOPATHY 8. Identifiers: MedGen C1843896, MONDO:0011831, OMIM 607450.

Submission:

Labcorp Genetics (formerly Invitae), Labcorp
Classification: Pathogenic for Arrhythmogenic cardiomyopathy with wooly hair and keratoderma; Arrhythmogenic right ventricular dysplasia 8. Last evaluated: 2021-04-04. Review status: criteria provided, single submitter. Criteria: Invitae Variant Classification Sherloc (09022015). Collection method: clinical testing. Allele origin: germline.
Comment: For these reasons, this variant has been classified as Pathogenic. This variant has not been reported in the literature in individuals with DSP-related conditions. This variant is not present in population databases (ExAC no frequency). This sequence change creates a premature translational stop signal (p.Cys367Hisfs*2) in the DSP gene. It is expected to result in an absent or disrupted protein product. Loss-of-function variants in DSP are known to be pathogenic (PMID: 20716751, 24503780, 25227139).

Literature cited by the submitters: PubMed 20716751; PubMed 24503780; PubMed 25227139.